The following is an entry in ClinVar:

NM_001080414.4(CCDC88C):c.3989A>G (p.Asn1330Ser)

Gene: CCDC88C (coiled-coil domain containing 88C; minus strand). Cytogenetic location: 14q32.11.
Variant type: single nucleotide variant.
Coding change: c.3989A>G on transcript NM_001080414.4 (MANE Select); coding-DNA position 3989, A replaced by G.
Protein change: p.Asn1330Ser; replaces asparagine 1330 with serine.
Molecular consequence: missense variant. On other transcripts: non-coding transcript variant (2).
Genome position (GRCh38, 1-based): chr14:91,294,296, T>C on the plus strand (A>G on the coding strand, the complement: CCDC88C is on the minus strand). VCF-style: chr14-91294296-T-C. GRCh37 (hg19) VCF-style: chr14-91760640-T-C.
Other names: short protein forms N1330S.
Identifiers: ClinVar variation 4070713 (VCV004070713.1).

ClinVar aggregate classification (germline): Uncertain significance (1 of 4 stars; one submission).

gnomAD v4.1: 9 of 1,613,886 alleles (0.00056%); highest among the groups gnomAD compares: Middle Eastern, 0.016%; no homozygotes.

Submission:

GeneDx
Classification: Uncertain significance. Last evaluated: 2025-01-16. Review status: criteria provided, single submitter. Criteria: GeneDx Variant Classification Process June 2021. Collection method: clinical testing. Allele origin: germline. Affected: yes.
Comment: Not observed at significant frequency in large population cohorts (gnomAD); In silico analysis supports that this missense variant has a deleterious effect on protein structure/function; Has not been previously published as pathogenic or benign to our knowledge